The following is an entry in ClinVar:

ClinVar aggregate classification (germline): Uncertain significance (1 of 4 stars; one submission).

Conditions:
Dyskeratosis congenita. Identifiers: Orphanet 1775, MedGen C0265965, MONDO:0015780.

gnomAD v4.1: 1 of 1,549,938 alleles (0.000065%); highest among the groups gnomAD compares: Non-Finnish European, 0.000087%; no homozygotes.

Submission:

Ambry Genetics
Classification: Uncertain significance for Dyskeratosis congenita. Last evaluated: 2025-10-22. Review status: criteria provided, single submitter. Criteria: Ambry Variant Classification Scheme 2023. Collection method: clinical testing. Allele origin: germline.
Comment: The p.V425I variant (also known as c.1273G>A), located in coding exon 2 of the TERT gene, results from a G to A substitution at nucleotide position 1273. The valine at codon 425 is replaced by isoleucine, an amino acid with highly similar properties. This amino acid position is conserved. In addition, this alteration is predicted to be tolerated by in silico analysis. Based on the available evidence, the clinical significance of this variant remains unclear.

NM_198253.3(TERT):c.1273G>A (p.Val425Ile)

Gene: TERT (telomerase reverse transcriptase; minus strand). Cytogenetic location: 5p15.33.
Variant type: single nucleotide variant.
Coding change: c.1273G>A on transcript NM_198253.3 (MANE Select); coding-DNA position 1273, G replaced by A.
Protein change: p.Val425Ile; replaces valine 425 with isoleucine.
Molecular consequence: missense variant. On other transcripts: non-coding transcript variant (2).
Genome position (GRCh38, 1-based): chr5:1,293,613, C>T on the plus strand (G>A on the coding strand, the complement: TERT is on the minus strand). VCF-style: chr5-1293613-C-T. GRCh37 (hg19) VCF-style: chr5-1293728-C-T.
Other names: c.1273G>A, p.Val425Ile (NM_001193376.3); short protein forms V425I.
Identifiers: ClinVar variation 4561167 (VCV004561167.1).